The following is an entry in ClinVar:

ClinVar aggregate classification (germline): Uncertain significance (1 of 4 stars; one submission).

Conditions:
TTN-related disorder. Also called: TTN-related disorders; TTN-related condition; TTN-related disease.

gnomAD v4.1: 1 of 1,613,456 alleles (0.000062%); highest among the groups gnomAD compares: African/African-American, 0.0013%; no homozygotes.

Submission:

PreventionGenetics, part of Exact Sciences
Classification: Uncertain significance for TTN-related condition. Last evaluated: 2025-05-07. Review status: criteria provided, single submitter. Criteria: ACMG Guidelines, 2015. Collection method: clinical testing. Allele origin: germline.
Comment: The TTN c.22663A>G variant is predicted to result in the amino acid substitution p.Ile7555Val. To our knowledge, this variant has not been reported in the literature. This variant is reported in 0.0065% of alleles in individuals of African descent in gnomAD. At this time, the clinical significance of this variant is uncertain due to the absence of conclusive functional and genetic evidence.

NM_001267550.2(TTN):c.22663A>G (p.Ile7555Val)

Gene: TTN (titin; minus strand). Cytogenetic location: 2q31.2.
Variant type: single nucleotide variant.
Coding change: c.22663A>G on transcript NM_001267550.2 (MANE Select); coding-DNA position 22663, A replaced by G.
Protein change: p.Ile7555Val; replaces isoleucine 7555 with valine.
Molecular consequence: missense variant. On other transcripts: intron variant (3).
Genome position (GRCh38, 1-based): chr2:178,722,000, T>C on the plus strand (A>G on the coding strand, the complement: TTN is on the minus strand). VCF-style: chr2-178722000-T-C. GRCh37 (hg19) VCF-style: chr2-179586727-T-C.
Other names: c.21712A>G, p.Ile7238Val (NM_001256850.1); c.18931A>G, p.Ile6311Val (NM_133378.4); c.13282+16082A>G (NM_003319.4); c.13858+16082A>G (NM_133437.4); c.13657+16082A>G (NM_133432.3); short protein forms I7238V, I6311V, I7555V.
Identifiers: ClinVar variation 5001182 (VCV005001182.1).